The following is an entry in ClinVar:

ClinVar aggregate classification (germline): Benign (1 of 4 stars; one submission).

Allele frequency attached by ClinVar (database versions not stated): 1000 Genomes Project 30x 0.33260; 1000 Genomes Project 0.33766; TOPMed 0.36595; ESP Exome Variant Server 0.37635; ExAC 0.42372; gnomAD exomes 0.43635.
gnomAD v4.1: 323,875 of 764,970 alleles (42%); highest among the groups gnomAD compares: Middle Eastern, 55%; 72,125 homozygotes.

Submission:

Unidad de Genómica Garrahan, Hospital de Pediatría Garrahan
Classification: Benign. Last evaluated: 2024-07-15. Review status: criteria provided, single submitter. Criteria: ACMG Guidelines, 2015. Collection method: clinical testing. Allele origin: germline. Affected: no. Observed: 65 variant alleles.
Comment: This variant is classified as Benign based on local population frequency. This variant was detected in 70% of patients studied in a panel designed for Epileptic and Developmental Encephalopathy and Progressive Myoclonus Epilepsy. Number of patients: 65. Only high quality variants are reported.

NM_000810.4(GABRA5):c.725-555G>A

Gene: GABRA5 (gamma-aminobutyric acid type A receptor subunit alpha5; plus strand). Cytogenetic location: 15q12.
Variant type: single nucleotide variant.
Coding change: c.725-555G>A on transcript NM_000810.4 (MANE Select); 555 bases into the intron before coding-DNA position 725, G replaced by A.
Molecular consequence: intron variant.
Genome position (GRCh38, 1-based): chr15:26,939,370, G>A. VCF-style: chr15-26939370-G-A. GRCh37 (hg19) VCF-style: chr15-27184517-G-A.
Other names: c.725-555G>A (NM_001165037.2).
Identifiers: ClinVar variation 3255244 (VCV003255244.2), dbSNP rs17647384.
Genomic context (GRCh38, chr15:26,939,370, plus strand): 5'-AAATCCAGAGAAGGCACTGGGGCATCGCCAATGAAATGCCCCCGATTTCAAAGAACAGGC[G>A]ACACCTCTCTGGTAGGTGGCAGAAGGGTTGAGCTGCCAGGACCCAGAGCCTCCTGAGCTG-3'